The following is an entry in ClinVar:

NM_032578.4(MYPN):c.194C>T (p.Ala65Val)

Gene: MYPN (myopalladin; plus strand). Cytogenetic location: 10q21.3.
Variant type: single nucleotide variant.
Coding change: c.194C>T on transcript NM_032578.4 (MANE Select); coding-DNA position 194, C replaced by T.
Protein change: p.Ala65Val; replaces alanine 65 with valine.
Molecular consequence: missense variant. On other transcripts: 5 prime UTR variant (1), non-coding transcript variant (1).
Genome position (GRCh38, 1-based): chr10:68,121,632, C>T. VCF-style: chr10-68121632-C-T. GRCh37 (hg19) VCF-style: chr10-69881389-C-T.
Other names: c.194C>T, p.Ala65Val (NM_001256267.2); c.-929C>T (NM_001256268.2); short protein forms A65V.
Identifiers: ClinVar variation 544027 (VCV000544027.11), dbSNP rs147553723, ClinGen allele CA5522239.

ClinVar aggregate classification (germline): Uncertain significance. Review status: criteria provided, multiple submitters, no conflicts (2 of 4 stars). 4 submissions from 4 submitters: Uncertain significance (4). Last evaluated 2025-06-01.

Conditions:
MYPN-related myopathy (CMYO24). Also called: Nemaline myopathy 11, autosomal recessive. Identifiers: MedGen C4479186, MONDO:0015023, OMIM 617336.
Dilated cardiomyopathy 1KK (CMD1KK). Identifiers: Orphanet 154, Orphanet 75249, MedGen C3714995, MONDO:0014100, OMIM 615248.
Cardiovascular phenotype. Identifiers: MedGen CN230736.

Allele frequency attached by ClinVar (database versions not stated): TOPMed 0.00004; gnomAD exomes 0.00001 and 0.00002; gnomAD 0.00003 and 0.00004; ExAC 0.00001; ESP Exome Variant Server 0.00023.
gnomAD v4.1: 41 of 1,614,096 alleles (0.0025%); highest among the groups gnomAD compares: Non-Finnish European, 0.0032%; no homozygotes.

Submissions (4):

Ambry Genetics
Classification: Uncertain significance for Cardiovascular phenotype. Last evaluated: 2025-06-01. Review status: criteria provided, single submitter. Criteria: Ambry Variant Classification Scheme 2023. Collection method: clinical testing. Allele origin: germline.
Comment: The p.A65V variant (also known as c.194C>T), located in coding exon 1 of the MYPN gene, results from a C to T substitution at nucleotide position 194. The alanine at codon 65 is replaced by valine, an amino acid with similar properties. This amino acid position is conserved. In addition, the in silico prediction for this alteration is inconclusive. Since supporting evidence is limited at this time, the clinical significance of this alteration remains unclear.

Labcorp Genetics (formerly Invitae), Labcorp
Classification: Uncertain significance for Dilated cardiomyopathy 1KK. Last evaluated: 2022-06-27. Review status: criteria provided, single submitter. Criteria: Invitae Variant Classification Sherloc (09022015). Collection method: clinical testing. Allele origin: germline.
Comment: This sequence change replaces alanine, which is neutral and non-polar, with valine, which is neutral and non-polar, at codon 65 of the MYPN protein (p.Ala65Val). This variant is present in population databases (rs147553723, gnomAD 0.002%). This variant has not been reported in the literature in individuals affected with MYPN-related conditions. ClinVar contains an entry for this variant (Variation ID: 544027). Algorithms developed to predict the effect of missense changes on protein structure and function are either unavailable or do not agree on the potential impact of this missense change (SIFT: "Tolerated"; PolyPhen-2: "Probably Damaging"; Align-GVGD: "Class C0"). In summary, the available evidence is currently insufficient to determine the role of this variant in disease. Therefore, it has been classified as a Variant of Uncertain Significance.

Fulgent Genetics
Classification: Uncertain significance for Dilated cardiomyopathy 1KK; MYPN-related myopathy. Last evaluated: 2021-09-13. Review status: criteria provided, single submitter. Criteria: ACMG Guidelines, 2015. Collection method: clinical testing. Allele origin: unknown.

GeneDx
Classification: Uncertain significance. Last evaluated: 2019-10-30. Review status: criteria provided, single submitter. Criteria: GeneDx Variant Classification Process June 2021. Collection method: clinical testing. Allele origin: germline. Affected: yes.
Comment: Has not been previously published as pathogenic or benign to our knowledge; Not observed at a significant frequency in large population cohorts (Lek et al., 2016); Reported in ClinVar as a variant of uncertain significance (ClinVar Variant ID# 544027; Landrum et al., 2016); In silico analysis, which includes protein predictors and evolutionary conservation, supports that this variant does not alter protein structure/function